The following is an entry in ClinVar:

NM_001267550.2(TTN):c.106180A>G (p.Lys35394Glu)

Genes: TTN-AS1 (TTN antisense RNA 1; plus strand), TTN (titin; minus strand), LOC129935182 (ATAC-STARR-seq lymphoblastoid active region 16807; plus strand). Cytogenetic location: 2q31.2.
Variant type: single nucleotide variant.
Coding change: c.106180A>G on transcript NM_001267550.2 (MANE Select); coding-DNA position 106180, A replaced by G.
Protein change: p.Lys35394Glu; replaces lysine 35394 with glutamic acid.
Molecular consequence: missense variant.
Genome position (GRCh38, 1-based): chr2:178,530,435, T>C on the plus strand (A>G on the coding strand, the complement: TTN is on the minus strand). VCF-style: chr2-178530435-T-C. GRCh37 (hg19) VCF-style: chr2-179395162-T-C.
Other names: c.101257A>G, p.Lys33753Glu (NM_001256850.1); c.78985A>G, p.Lys26329Glu (NM_003319.4); c.98476A>G, p.Lys32826Glu (NM_133378.4); c.79360A>G, p.Lys26454Glu (NM_133432.3); c.79561A>G, p.Lys26521Glu (NM_133437.4); short protein forms K32826E, K26454E, K35394E, K26329E, K26521E, K33753E.
Identifiers: ClinVar variation 961537 (VCV000961537.8), dbSNP rs745753316, ClinGen allele CA349406752.

ClinVar aggregate classification (germline): Uncertain significance (1 of 4 stars; one submission).

Conditions:
Dilated cardiomyopathy 1G (CMD1G). Identifiers: Orphanet 154, MedGen C1858763, MONDO:0011400, OMIM 604145.
Autosomal recessive limb-girdle muscular dystrophy type 2J (LGMDR10). Also called: Limb-girdle muscular dystrophy, type 2J; MUSCULAR DYSTROPHY, LIMB-GIRDLE, AUTOSOMAL RECESSIVE 10. Identifiers: Orphanet 140922, MedGen C1837342, MONDO:0012127, OMIM 608807.

Allele frequency attached by ClinVar (database versions not stated): TOPMed below 0.00001; gnomAD 0.00001.
gnomAD v4.1: 8 of 1,613,906 alleles (0.0005%); highest among the groups gnomAD compares: Non-Finnish European, 0.00068%; no homozygotes.

Submission:

Labcorp Genetics (formerly Invitae), Labcorp
Classification: Uncertain significance for Dilated cardiomyopathy 1G; Autosomal recessive limb-girdle muscular dystrophy type 2J. Last evaluated: 2025-03-17. Review status: criteria provided, single submitter. Criteria: Invitae Variant Classification Sherloc (09022015). Collection method: clinical testing. Allele origin: germline.
Comment: This sequence change replaces lysine, which is basic and polar, with glutamic acid, which is acidic and polar, at codon 35394 of the TTN protein (p.Lys35394Glu). This variant is present in population databases (no rsID available, gnomAD 0.0009%). This variant has not been reported in the literature in individuals affected with TTN-related conditions. ClinVar contains an entry for this variant (Variation ID: 961537). Experimental studies and prediction algorithms are not available or were not evaluated, and the functional significance of this variant is currently unknown. This variant is located in the M band of TTN (PMID: 25589632). Non-truncating variants in this region may be relevant for neuromuscular disorders, but have not been definitively shown to cause cardiomyopathy (PMID: 23975875). In summary, the available evidence is currently insufficient to determine the role of this variant in disease. Therefore, it has been classified as a Variant of Uncertain Significance.

Literature cited by the submitters: PubMed 25589632; PubMed 23975875.